The following is an entry in ClinVar:

NM_182961.4(SYNE1):c.14751G>A (p.Leu4917=)

Gene: SYNE1 (spectrin repeat containing nuclear envelope protein 1; minus strand). Cytogenetic location: 6q25.2.
Variant type: single nucleotide variant.
Coding change: c.14751G>A on transcript NM_182961.4 (MANE Select); coding-DNA position 14751, G replaced by A.
Protein change: p.Leu4917=; no amino-acid change (leucine 4917 retained).
Molecular consequence: synonymous variant.
Genome position (GRCh38, 1-based): chr6:152,329,934, C>T on the plus strand (G>A on the coding strand, the complement: SYNE1 is on the minus strand). VCF-style: chr6-152329934-C-T. GRCh37 (hg19) VCF-style: chr6-152651069-C-T.
Other names: c.14538G>A, p.Leu4846= (NM_033071.5).
Identifiers: ClinVar variation 704627 (VCV000704627.11), dbSNP rs769489729, ClinGen allele CA4055950.

ClinVar aggregate classification (germline): Likely benign. Review status: criteria provided, multiple submitters, no conflicts (2 of 4 stars). 2 submissions from 2 submitters: Likely benign (2). Last evaluated 2026-06-01.

Conditions:
Emery-Dreifuss muscular dystrophy 4, autosomal dominant (EDMD4). Also called: EMERY-DREIFUSS MUSCULAR DYSTROPHY 4 WITH VARIABLE FEATURES. Identifiers: Orphanet 261, MedGen C2751807, MONDO:0013071, OMIM 612998.
Autosomal recessive ataxia, Beauce type. Also called: SYNE1-Related Autosomal Recessive Cerebellar Ataxia; Spinocerebellar ataxia, autosomal recessive 8; ATAXIA, RECESSIVE, OF BEAUCE; SYNE1 Deficiency. Identifiers: Orphanet 88644, MedGen C1853116, MONDO:0012549, OMIM 610743.

Allele frequency attached by ClinVar (database versions not stated): TOPMed 0.00001.
gnomAD v4.1: 10 of 1,614,072 alleles (0.00062%); highest among the groups gnomAD compares: Admixed American, 0.017%; no homozygotes.

Submissions (2):

CeGaT Center for Human Genetics Tuebingen
Classification: Likely benign. Last evaluated: 2026-06-01. Review status: criteria provided, single submitter. Criteria: CeGaT Center For Human Genetics Tuebingen Variant Classification Criteria Version 2. Collection method: clinical testing. Allele origin: germline. Affected: yes. Observed: 1 variant allele.
Comment: SYNE1: BP4, BP7

Labcorp Genetics (formerly Invitae), Labcorp
Classification: Likely benign for Emery-Dreifuss muscular dystrophy 4, autosomal dominant; Autosomal recessive ataxia, Beauce type. Last evaluated: 2021-10-21. Review status: criteria provided, single submitter. Criteria: Invitae Variant Classification Sherloc (09022015). Collection method: clinical testing. Allele origin: germline.